The following is an entry in ClinVar:

NM_000059.4(BRCA2):c.9256+4A>G

Gene: BRCA2 (BRCA2 DNA repair associated; plus strand). Cytogenetic location: 13q13.1.
Variant type: single nucleotide variant.
Coding change: c.9256+4A>G on transcript NM_000059.4 (MANE Select); 4 bases into the intron after coding-DNA position 9256, A replaced by G.
Molecular consequence: intron variant.
Genome position (GRCh38, 1-based): chr13:32,380,149, A>G. VCF-style: chr13-32380149-A-G. GRCh37 (hg19) VCF-style: chr13-32954286-A-G.
Identifiers: ClinVar variation 566278 (VCV000566278.12), dbSNP rs1566253715, ClinGen allele CA891843583.

ClinVar aggregate classification (germline): Conflicting classifications of pathogenicity. Review status: criteria provided, conflicting classifications (1 of 4 stars). 3 submissions from 3 submitters: Uncertain significance (2); Benign (1). Last evaluated 2025-04-30.

Conditions:
Hereditary cancer-predisposing syndrome. Also called: Neoplastic Syndromes, Hereditary; Tumor predisposition; Hereditary neoplastic syndrome; Hereditary Cancer Syndrome. Identifiers: Orphanet 140162, MedGen C0027672, MeSH D009386, MONDO:0015356.
Hereditary breast ovarian cancer syndrome. Also called: Hereditary breast and ovarian cancer syndrome (HBOC); Hereditary breast and ovarian cancer; Hereditary breast and/or ovarian cancer syndrome; Hereditary breast and ovarian cancer syndrome; Breast and ovarian cancer; BRCA1- and BRCA2-Associated Hereditary Breast and Ovarian Cancer. Identifiers: Orphanet 145, MedGen C0677776, MeSH D061325, MONDO:0003582. Disease mechanism: loss of function.

Allele frequency attached by ClinVar (database versions not stated): gnomAD exomes below 0.00001.

Submissions (3):

Ambry Genetics
Classification: Uncertain significance for Hereditary cancer-predisposing syndrome. Last evaluated: 2025-04-30. Review status: criteria provided, single submitter. Criteria: Ambry Variant Classification Scheme 2023. Collection method: clinical testing. Allele origin: germline.
Comment: The c.9256+4A>G intronic variant results from an A to G substitution 4 nucleotides after coding exon 23 in the BRCA2 gene. This nucleotide position is well conserved in available vertebrate species. In silico splice site analysis predicts that this alteration will not have any significant effect on splicing; however, direct evidence is insufficient at this time (Ambry internal data). Based on the available evidence, the clinical significance of this variant remains unclear.

Labcorp Genetics (formerly Invitae), Labcorp
Classification: Uncertain significance for Hereditary breast ovarian cancer syndrome. Last evaluated: 2025-04-18. Review status: criteria provided, single submitter. Criteria: Invitae Variant Classification Sherloc (09022015). Collection method: clinical testing. Allele origin: germline.
Comment: This sequence change falls in intron 24 of the BRCA2 gene. It does not directly change the encoded amino acid sequence of the BRCA2 protein. It affects a nucleotide within the consensus splice site. This variant is not present in population databases (gnomAD no frequency). This variant has not been reported in the literature in individuals affected with BRCA2-related conditions. ClinVar contains an entry for this variant (Variation ID: 566278). Variants that disrupt the consensus splice site are a relatively common cause of aberrant splicing (PMID: 17576681, 9536098). Algorithms developed to predict the effect of sequence changes on RNA splicing suggest that this variant is not likely to affect RNA splicing. In summary, the available evidence is currently insufficient to determine the role of this variant in disease. Therefore, it has been classified as a Variant of Uncertain Significance.

Laboratory of Genetics, Children's Clinical University Hospital Latvia
Classification: Benign. Last evaluated: 2025-02-16. Review status: criteria provided, single submitter. Criteria: ACMG Guidelines, 2015. Collection method: clinical testing. Allele origin: germline. Affected: yes.

Literature cited by the submitters: PubMed 17576681 (cited by Labcorp Genetics (formerly Invitae), Labcorp); PubMed 9536098 (cited by Labcorp Genetics (formerly Invitae), Labcorp).